The following is an entry in ClinVar:

NM_001195129.2(PRSS56):c.1066del (p.Gln356fs)

Gene: PRSS56 (serine protease 56; plus strand). Cytogenetic location: 2q37.1.
Variant type: Deletion.
Coding change: c.1066del on transcript NM_001195129.2 (MANE Select); coding-DNA position 1066, one base deleted (C; older notation c.1066delC).
Protein change: p.Gln356fs; shifts the reading frame from glutamine 356.
Molecular consequence: frameshift variant.
Genome position (GRCh38, 1-based): chr2:232,523,825, C deleted; the last of 8 consecutive C bases (chr2:232,523,818-232,523,825); deleting any one gives the same sequence. VCF-style (leftmost placement, unchanged base first): chr2-232523817-AC-A. GRCh37 (hg19) VCF-style: chr2-233388527-AC-A.
Other names: c.1069del, p.Gln357fs (NM_001369848.1); c.1066delC (NM_001195129.1); short protein forms Q356fs, Q357fs.
Identifiers: ClinVar variation 1324965 (VCV001324965.7), dbSNP rs730882064, ClinGen allele CA540309742.

ClinVar aggregate classification (germline): Pathogenic. Review status: criteria provided, multiple submitters, no conflicts (2 of 4 stars). 2 submissions from 2 submitters: Pathogenic (2). Last evaluated 2025-05-16.

Conditions:
Isolated microphthalmia 6. Also called: MICROPHTHALMIA, POSTERIOR NONSYNDROMIC. Identifiers: Orphanet 2542, MedGen C3150757, MONDO:0013293, OMIM 613517.

Submissions (2):

Labcorp Genetics (formerly Invitae), Labcorp
Classification: Pathogenic for Isolated microphthalmia 6. Last evaluated: 2025-05-16. Review status: criteria provided, single submitter. Criteria: Invitae Variant Classification Sherloc (09022015). Collection method: clinical testing. Allele origin: germline.
Comment: This sequence change creates a premature translational stop signal (p.Gln356Argfs*148) in the PRSS56 gene. While this is not anticipated to result in nonsense mediated decay, it is expected to disrupt the last 248 amino acid(s) of the PRSS56 protein. The frequency data for this variant in the population databases is considered unreliable, as metrics indicate poor data quality at this position in the gnomAD database. This premature translational stop signal has been observed in individual(s) with nanophthalmia (PMID: 33203948). ClinVar contains an entry for this variant (Variation ID: 1324965). This variant disrupts a region of the PRSS56 protein in which other variant(s) (p.Arg563Alafs*17) have been determined to be pathogenic (PMID: 31266062; internal data). This suggests that this is a clinically significant region of the protein, and that variants that disrupt it are likely to be disease-causing. For these reasons, this variant has been classified as Pathogenic.

Ge Lab, State Key Laboratory of Ophthalmology, Zhongshan Ophthalmic Center, Sun Yat-sen University
Classification: Pathogenic for Isolated microphthalmia 6. Last evaluated: 2025-01-06. Review status: criteria provided, single submitter. Criteria: ACMG Guidelines, 2015. Collection method: research. Allele origin: germline. Affected: yes.

Literature cited by the submitters: PubMed 33203948 (cited by Labcorp Genetics (formerly Invitae), Labcorp and Ge Lab, State Key Laboratory of Ophthalmology, Zhongshan Ophthalmic Center, Sun Yat-sen University); PubMed 31266062 (cited by Labcorp Genetics (formerly Invitae), Labcorp).